The following is an entry in ClinVar:

NM_020166.5(MCCC1):c.1645T>C (p.Tyr549His)

Gene: MCCC1 (methylcrotonyl-CoA carboxylase subunit 1; minus strand). Cytogenetic location: 3q27.1.
Variant type: single nucleotide variant.
Coding change: c.1645T>C on transcript NM_020166.5 (MANE Select); coding-DNA position 1645, T replaced by C.
Protein change: p.Tyr549His; replaces tyrosine 549 with histidine.
Molecular consequence: missense variant. On other transcripts: non-coding transcript variant (2).
Genome position (GRCh38, 1-based): chr3:183,034,027, A>G on the plus strand (T>C on the coding strand, the complement: MCCC1 is on the minus strand). VCF-style: chr3-183034027-A-G. GRCh37 (hg19) VCF-style: chr3-182751815-A-G.
Other names: c.1294T>C, p.Tyr432His (NM_001293273.2); c.1318T>C, p.Tyr440His (NM_001363880.1); short protein forms Y440H, Y432H, Y549H.
Identifiers: ClinVar variation 1897459 (VCV001897459.5), dbSNP rs1475797798, ClinGen allele CA355318361.

ClinVar aggregate classification (germline): Uncertain significance. Review status: criteria provided, multiple submitters, no conflicts (2 of 4 stars). 2 submissions from 2 submitters: Uncertain significance (2). Last evaluated 2022-09-27.

Conditions:
3-methylcrotonyl-CoA carboxylase 1 deficiency (MCC1D). Also called: MCC 1 deficiency; 3 Alpha methylcrotonylglycinuria 1; MCCD TYPE 1; METHYLCROTONYLGLYCINURIA TYPE I. Identifiers: Orphanet 6, MedGen CN028786, MONDO:0008861, OMIM 210200.

Allele frequency attached by ClinVar (database versions not stated): gnomAD exomes below 0.00001; TOPMed below 0.00001.
gnomAD v4.1: 1 of 1,612,250 alleles (0.000062%); highest among the groups gnomAD compares: Admixed American, 0.0017%; no homozygotes.

Submissions (2):

Labcorp Genetics (formerly Invitae), Labcorp
Classification: Uncertain significance for 3-methylcrotonyl-CoA carboxylase 1 deficiency. Last evaluated: 2022-09-27. Review status: criteria provided, single submitter. Criteria: Invitae Variant Classification Sherloc (09022015). Collection method: clinical testing. Allele origin: germline.
Comment: This sequence change replaces tyrosine, which is neutral and polar, with histidine, which is basic and polar, at codon 549 of the MCCC1 protein (p.Tyr549His). This variant is present in population databases (no rsID available, gnomAD 0.003%). This variant has not been reported in the literature in individuals affected with MCCC1-related conditions. Advanced modeling of protein sequence and biophysical properties (such as structural, functional, and spatial information, amino acid conservation, physicochemical variation, residue mobility, and thermodynamic stability) performed at Invitae indicates that this missense variant is not expected to disrupt MCCC1 protein function. In summary, the available evidence is currently insufficient to determine the role of this variant in disease. Therefore, it has been classified as a Variant of Uncertain Significance.

Revvity Omics, Revvity
Classification: Uncertain significance for 3-methylcrotonyl-CoA carboxylase 1 deficiency. Last evaluated: 2021-10-14. Review status: criteria provided, single submitter. Criteria: ACMG Guidelines, 2015. Collection method: clinical testing. Allele origin: germline.